The following is an entry in ClinVar:

ClinVar aggregate classification (germline): Uncertain significance (1 of 4 stars; one submission).

Conditions:
Hereditary cancer-predisposing syndrome. Also called: Tumor predisposition; Neoplastic Syndromes, Hereditary; Hereditary Cancer Syndrome; Hereditary neoplastic syndrome. Identifiers: Orphanet 140162, MedGen C0027672, MeSH D009386, MONDO:0015356.

Submission:

Ambry Genetics
Classification: Uncertain significance for Hereditary cancer-predisposing syndrome. Last evaluated: 2022-09-20. Review status: criteria provided, single submitter. Criteria: Ambry Variant Classification Scheme 2023. Collection method: clinical testing. Allele origin: germline.
Comment: The p.K377N variant (also known as c.1131G>T), located in coding exon 8 of the PTCH1 gene, results from a G to T substitution at nucleotide position 1131. The lysine at codon 377 is replaced by asparagine, an amino acid with similar properties. This amino acid position is not well conserved in available vertebrate species. In addition, this alteration is predicted to be tolerated by in silico analysis. Since supporting evidence is limited at this time, the clinical significance of this alteration remains unclear.

NM_000264.5(PTCH1):c.1131G>T (p.Lys377Asn)

Gene: PTCH1 (patched 1; minus strand). Cytogenetic location: 9q22.32.
Variant type: single nucleotide variant.
Coding change: c.1131G>T on transcript NM_000264.5 (MANE Select); coding-DNA position 1131, G replaced by T.
Protein change: p.Lys377Asn; replaces lysine 377 with asparagine.
Molecular consequence: missense variant. On other transcripts: non-coding transcript variant (1).
Genome position (GRCh38, 1-based): chr9:95,479,084, C>A on the plus strand (G>T on the coding strand, the complement: PTCH1 is on the minus strand). VCF-style: chr9-95479084-C-A. GRCh37 (hg19) VCF-style: chr9-98241366-C-A.
Other names: c.933G>T, p.Lys311Asn (NM_001083602.3); c.1128G>T, p.Lys376Asn (NM_001083603.3); c.678G>T, p.Lys226Asn (NM_001083604.3, NM_001083605.3, NM_001083606.3 and 1 more transcripts); c.1131G>T, p.Lys377Asn (NM_001354918.2); short protein forms K226N, K376N, K311N, K377N.
Identifiers: ClinVar variation 1728604 (VCV001728604.2), dbSNP rs2538217318, ClinGen allele CA374119396.